The following is an entry in ClinVar:

ClinVar aggregate classification (germline): Benign/Likely benign. Review status: criteria provided, multiple submitters, no conflicts (2 of 4 stars). 13 submissions from 13 submitters: Benign (4); Likely benign (6). 3 of the submissions do not count toward it. Last evaluated 2026-07-01.

Conditions:
EIF2AK3-related disorder. Also called: EIF2AK3-related condition.
Connective tissue disorder. Also called: Connective tissue disease. Identifiers: MedGen C0009782, MONDO:0003900.
Monogenic diabetes. Identifiers: Orphanet 183625, MedGen C3888631, MONDO:0015967.
Wolcott-Rallison dysplasia. Also called: MED-IDDM SYNDROME; Wolcott-Rallison syndrome. Identifiers: Orphanet 1667, MedGen C0432217, MONDO:0009192, OMIM 226980.

Allele frequency attached by ClinVar (database versions not stated): 1000 Genomes Project 30x 0.00203; 1000 Genomes Project 0.00240; TOPMed 0.00287; gnomAD 0.00360 and 0.00370; gnomAD exomes 0.00460.

Submissions (13):

CeGaT Center for Human Genetics Tuebingen
Classification: Likely benign. Last evaluated: 2026-07-01. Review status: criteria provided, single submitter. Criteria: CeGaT Center For Human Genetics Tuebingen Variant Classification Criteria Version 2. Collection method: clinical testing. Allele origin: germline. Affected: yes. Observed: 18 variant alleles.
Comment: EIF2AK3: BS2

Labcorp Genetics (formerly Invitae), Labcorp
Classification: Benign. Last evaluated: 2026-01-31. Review status: criteria provided, single submitter. Criteria: Invitae Variant Classification Sherloc (09022015). Collection method: clinical testing. Allele origin: germline.

ARUP Laboratories, Molecular Genetics and Genomics, ARUP Laboratories
Classification: Likely benign for Wolcott-Rallison dysplasia. Last evaluated: 2023-10-23. Review status: criteria provided, single submitter. Criteria: ARUP Molecular Germline Variant Investigation Process 2024. Collection method: clinical testing. Allele origin: germline.

Fulgent Genetics
Classification: Likely benign for Wolcott-Rallison dysplasia. Last evaluated: 2022-03-17. Review status: criteria provided, single submitter. Criteria: ACMG Guidelines, 2015. Collection method: clinical testing. Allele origin: unknown.

Genetic Services Laboratory, University of Chicago
Classification: Benign. Last evaluated: 2021-04-08. Review status: criteria provided, single submitter. Criteria: ACMG Guidelines, 2015. Collection method: clinical testing. Allele origin: germline. Affected: no.

Genome Diagnostics Laboratory, The Hospital for Sick Children
Classification: Likely benign for Connective tissue disorder. Last evaluated: 2019-12-01. Review status: criteria provided, single submitter. Criteria: ACMG Guidelines, 2015. Collection method: clinical testing. Allele origin: germline.

Personalized Diabetes Medicine Program, University of Maryland School of Medicine
Classification: Benign for Monogenic diabetes. Last evaluated: 2018-07-20. Review status: criteria provided, single submitter. Criteria: ACMG Guidelines, 2015. Collection method: research. Allele origin: unknown. Observed: 5 variant alleles, 5 heterozygotes.
Comment: ACMG criteria: BP4 (8 predictors + REVEL score 0.069; not using PP3 (2 predictors)),BS2 (5 homozygotes in gnomAD), BS1 (0.7% MAF in ENF, which is greater than 0.001 (estimated prevalence 1:1million)= benign

Illumina Laboratory Services, Illumina
Classification: Likely benign for Wolcott-Rallison dysplasia. Last evaluated: 2018-01-12. Review status: criteria provided, single submitter. Criteria: ICSL Variant Classification Criteria 13 December 2019. Collection method: clinical testing. Allele origin: germline.
Comment: This variant was observed in the ICSL laboratory as part of a predisposition screen in an ostensibly healthy population. It had not been previously curated by ICSL or reported in the Human Gene Mutation Database (HGMD: prior to June 1st, 2018), and was therefore a candidate for classification through an automated scoring system. Utilizing variant allele frequency, disease prevalence and penetrance estimates, and inheritance mode, an automated score was calculated to assess if this variant is too frequent to cause the disease. Based on the score and internal cut-off values, a variant classified as likely benign is not then subjected to further curation. The score for this variant resulted in a classification of likely benign for this disease.

Eurofins Ntd Llc (ga)
Classification: Benign. Last evaluated: 2017-04-12. Review status: criteria provided, single submitter. Criteria: EGL Classification Definitions 2015. Collection method: clinical testing. Allele origin: germline. Observed: 2 variant alleles, 2 heterozygotes.

Breakthrough Genomics
Classification: Likely benign. Review status: criteria provided, single submitter. Criteria: ACMG Guidelines, 2015. Collection method: not provided. Allele origin: germline. Inheritance: Autosomal recessive inheritance. Affected: yes.

PreventionGenetics, part of Exact Sciences
Classification: Benign for EIF2AK3-related condition. Last evaluated: 2019-09-24. Review status: no assertion criteria provided. Collection method: clinical testing. Allele origin: germline. Not counted in ClinVar's aggregate classification.
Comment: This variant is classified as benign based on ACMG/AMP sequence variant interpretation guidelines (Richards et al. 2015 PMID: 25741868, with internal and published modifications).

Clinical Genetics DNA and cytogenetics Diagnostics Lab, Erasmus MC, Erasmus Medical Center
Classification: Likely benign. Review status: no assertion criteria provided. Collection method: clinical testing. Allele origin: germline. Affected: yes. Study: VKGL Data-share Consensus. Not counted in ClinVar's aggregate classification.

Laboratory of Diagnostic Genome Analysis, Leiden University Medical Center (LUMC)
Classification: Benign. Review status: no assertion criteria provided. Collection method: clinical testing. Allele origin: germline. Affected: yes. Study: VKGL Data-share Consensus. Not counted in ClinVar's aggregate classification.

NM_004836.7(EIF2AK3):c.154G>A (p.Ala52Thr)

Gene: EIF2AK3 (eukaryotic translation initiation factor 2 alpha kinase 3; minus strand). Cytogenetic location: 2p11.2.
Variant type: single nucleotide variant.
Coding change: c.154G>A on transcript NM_004836.7 (MANE Select); coding-DNA position 154, G replaced by A.
Protein change: p.Ala52Thr; replaces alanine 52 with threonine.
Molecular consequence: missense variant.
Genome position (GRCh38, 1-based): chr2:88,627,121, C>T on the plus strand (G>A on the coding strand, the complement: EIF2AK3 is on the minus strand). VCF-style: chr2-88627121-C-T. GRCh37 (hg19) VCF-style: chr2-88926639-C-T.
Other names: short protein forms A52T.
Identifiers: ClinVar variation 193296 (VCV000193296.56), dbSNP rs201593811, ClinGen allele CA238804.